The following is an entry in ClinVar:

ClinVar aggregate classification (germline): Uncertain significance (1 of 4 stars; one submission).

Submission:

Labcorp Genetics (formerly Invitae), Labcorp
Classification: Uncertain significance. Last evaluated: 2021-07-09. Review status: criteria provided, single submitter. Criteria: Invitae Variant Classification Sherloc (09022015). Collection method: clinical testing. Allele origin: germline.
Comment: This variant, c.6457_6459del, results in the deletion of 1 amino acid(s) of the ADGRV1 protein (p.Lys2153del), but otherwise preserves the integrity of the reading frame. This variant is not present in population databases (ExAC no frequency). This variant has not been reported in the literature in individuals with ADGRV1-related conditions. Experimental studies and prediction algorithms are not available or were not evaluated, and the functional significance of this variant is currently unknown. In summary, the available evidence is currently insufficient to determine the role of this variant in disease. Therefore, it has been classified as a Variant of Uncertain Significance.

NM_032119.4(ADGRV1):c.6457_6459del (p.Lys2153del)

Gene: ADGRV1 (adhesion G protein-coupled receptor V1; plus strand). Cytogenetic location: 5q14.3.
Variant type: Deletion.
Coding change: c.6457_6459del on transcript NM_032119.4 (MANE Select); coding-DNA positions 6457 to 6459, 3 bases deleted (AAG; older notation c.6457_6459delAAG).
Protein change: p.Lys2153del; deletes lysine 2153.
Molecular consequence: inframe deletion. On other transcripts: non-coding transcript variant (1).
Genome position (GRCh38, 1-based): chr5:90,685,962-90,685,964, AAG deleted; deleting any 3 consecutive bases within chr5:90,685,961-90,685,964 gives the same sequence; the c. name uses the placement nearest the transcript's 3' end. VCF-style (leftmost placement, unchanged base first): chr5-90685960-TGAA-T. GRCh37 (hg19) VCF-style: chr5-89981777-TGAA-T.
Other names: short protein forms K2153del.
Identifiers: ClinVar variation 1489380 (VCV001489380.8), dbSNP rs2149595511, ClinGen allele CA923726357.